The following is an entry in ClinVar:

ClinVar aggregate classification (germline): Uncertain significance (1 of 4 stars; one submission).

Submission:

Labcorp Genetics (formerly Invitae), Labcorp
Classification: Uncertain significance. Last evaluated: 2022-08-10. Review status: criteria provided, single submitter. Criteria: Invitae Variant Classification Sherloc (09022015). Collection method: clinical testing. Allele origin: germline.
Comment: This sequence change replaces alanine, which is neutral and non-polar, with aspartic acid, which is acidic and polar, at codon 95 of the WFS1 protein (p.Ala95Asp). This variant is not present in population databases (gnomAD no frequency). This variant has not been reported in the literature in individuals affected with WFS1-related conditions. ClinVar contains an entry for this variant (Variation ID: 1473915). Advanced modeling of protein sequence and biophysical properties (such as structural, functional, and spatial information, amino acid conservation, physicochemical variation, residue mobility, and thermodynamic stability) performed at Invitae indicates that this missense variant is expected to disrupt WFS1 protein function. In summary, the available evidence is currently insufficient to determine the role of this variant in disease. Therefore, it has been classified as a Variant of Uncertain Significance.

NM_006005.3(WFS1):c.284C>A (p.Ala95Asp)

Gene: WFS1 (wolframin ER transmembrane glycoprotein; plus strand). Cytogenetic location: 4p16.1.
Variant type: single nucleotide variant.
Coding change: c.284C>A on transcript NM_006005.3 (MANE Select); coding-DNA position 284, C replaced by A.
Protein change: p.Ala95Asp; replaces alanine 95 with aspartic acid.
Molecular consequence: missense variant.
Genome position (GRCh38, 1-based): chr4:6,287,144, C>A. VCF-style: chr4-6287144-C-A. GRCh37 (hg19) VCF-style: chr4-6288871-C-A.
Other names: c.284C>A, p.Ala95Asp (NM_001145853.1); short protein forms A95D.
Identifiers: ClinVar variation 1473915 (VCV001473915.8), dbSNP rs2109113929, ClinGen allele CA356170959.